The following is an entry in ClinVar:

ClinVar aggregate classification (germline): Likely benign (1 of 4 stars; one submission).

Submission:

Biesecker Lab/Clinical Genomics Section, National Institutes of Health
Classification: Likely benign. Last evaluated: 2013-06-24. Review status: criteria provided, single submitter. Criteria: Ng et al. (Circ Cardiovasc Genet. 2013). Collection method: research. Allele origin: unknown. Observed: 5 variant alleles. Study: ClinSeq.
Comment: The study set was not selected for affection status in relation to any cancer. Pathogenicity categories were based on literature curation. See Pubmed ID:23861362 for details.

Medical sequencing

NM_001267550.2(TTN):c.74894A>C (p.Gln24965Pro)

Genes: TTN (titin; minus strand), TTN-AS1 (TTN antisense RNA 1; plus strand). Cytogenetic location: 2q31.2.
Variant type: single nucleotide variant.
Coding change: c.74894A>C on transcript NM_001267550.2 (MANE Select); coding-DNA position 74894, A replaced by C.
Protein change: p.Gln24965Pro; replaces glutamine 24965 with proline.
Molecular consequence: missense variant.
Genome position (GRCh38, 1-based): chr2:178,571,238, T>G on the plus strand (A>C on the coding strand, the complement: TTN is on the minus strand). VCF-style: chr2-178571238-T-G. GRCh37 (hg19) VCF-style: chr2-179435965-T-G.
Other names: c.69971A>C, p.Gln23324Pro (NM_001256850.1); c.47699A>C, p.Gln15900Pro (NM_003319.4); c.67190A>C, p.Gln22397Pro (NM_133378.4); c.48074A>C, p.Gln16025Pro (NM_133432.3); c.48275A>C, p.Gln16092Pro (NM_133437.4); short protein forms Q22397P, Q24965P, Q16092P, Q16025P, Q23324P, Q15900P.
Identifiers: ClinVar variation 192157 (VCV000192157.1), dbSNP rs786205329, ClinGen allele CA238480.